The following is an entry in ClinVar:

ClinVar aggregate classification (germline): Uncertain significance (1 of 4 stars; one submission).

Submission:

GeneDx
Classification: Uncertain significance. Last evaluated: 2024-01-04. Review status: criteria provided, single submitter. Criteria: GeneDx Variant Classification Process June 2021. Collection method: clinical testing. Allele origin: germline. Affected: yes.
Comment: Not observed at significant frequency in large population cohorts (gnomAD); In silico analysis supports that this missense variant does not alter protein structure/function; Has not been previously published as pathogenic or benign to our knowledge

NM_001375380.1(EBF3):c.1684G>A (p.Ala562Thr)

Gene: EBF3 (EBF transcription factor 3; minus strand). Cytogenetic location: 10q26.3.
Variant type: single nucleotide variant.
Coding change: c.1684G>A on transcript NM_001375380.1 (MANE Select); coding-DNA position 1684, G replaced by A.
Protein change: p.Ala562Thr; replaces alanine 562 with threonine.
Molecular consequence: missense variant.
Genome position (GRCh38, 1-based): chr10:129,840,320, C>T on the plus strand (G>A on the coding strand, the complement: EBF3 is on the minus strand). VCF-style: chr10-129840320-C-T. GRCh37 (hg19) VCF-style: chr10-131638584-C-T.
Other names: c.1549G>A, p.Ala517Thr (NM_001375390.1, NM_001005463.3); c.1576G>A, p.Ala526Thr (NM_001375391.1, NM_001375389.1); c.1468G>A, p.Ala490Thr (NM_001375392.1); c.1684G>A, p.Ala562Thr (NM_001375379.1); short protein forms A490T, A517T, A526T, A562T.
Identifiers: ClinVar variation 3367564 (VCV003367564.1).
Genomic context (GRCh38, chr10:129,840,320, plus strand): 5'-CGTTGGCGCTGGTGCAGGAAGGAGGAGGAGAGGCTTGGGGCCGGACCACGGGCGCGAAGG[C>T]GCTCTTCTGTTTCACTGCGGAGATGACATTGGCAGGTGAGAATGAGAAAATGCCGTGTGT-3'
Protein context (NP_001362309.1, residues 552-572): NVISAVKQKS[Ala562Thr]FAPVVRPQAS